The following is an entry in ClinVar:

ClinVar aggregate classification (germline): Uncertain significance (1 of 4 stars; one submission).

Conditions:
Cone-rod dystrophy 6 (CORD6). Also called: RETINAL CONE DYSTROPHY 2; Cone dystrophy progressive. Identifiers: Orphanet 1872, MedGen C1866293, MONDO:0011143, OMIM 601777.
Leber congenital amaurosis 1 (LCA1). Also called: RETINAL BLINDNESS, CONGENITAL; AMAUROSIS CONGENITA OF LEBER I; Congenital absence of the rods and cones; Leber's congenital tapetoretinal degeneration; Leber's congenital tapetoretinal dysplasia. Identifiers: Orphanet 65, MedGen C2931258, MONDO:0008764, OMIM 204000.

Submission:

Labcorp Genetics (formerly Invitae), Labcorp
Classification: Uncertain significance for Leber congenital amaurosis 1; Cone-rod dystrophy 6. Last evaluated: 2022-06-13. Review status: criteria provided, single submitter. Criteria: Invitae Variant Classification Sherloc (09022015). Collection method: clinical testing. Allele origin: germline.
Comment: In summary, the available evidence is currently insufficient to determine the role of this variant in disease. Therefore, it has been classified as a Variant of Uncertain Significance. Algorithms developed to predict the effect of missense changes on protein structure and function (SIFT, PolyPhen-2, Align-GVGD) all suggest that this variant is likely to be tolerated. ClinVar contains an entry for this variant (Variation ID: 1039175). This variant has not been reported in the literature in individuals affected with GUCY2D-related conditions. This variant is not present in population databases (gnomAD no frequency). This sequence change replaces glutamine, which is neutral and polar, with lysine, which is basic and polar, at codon 1036 of the GUCY2D protein (p.Gln1036Lys).

NM_000180.4(GUCY2D):c.3106C>A (p.Gln1036Lys)

Gene: GUCY2D (guanylate cyclase 2D, retinal; plus strand). Cytogenetic location: 17p13.1.
Variant type: single nucleotide variant.
Coding change: c.3106C>A on transcript NM_000180.4 (MANE Select); coding-DNA position 3106, C replaced by A.
Protein change: p.Gln1036Lys; replaces glutamine 1036 with lysine.
Molecular consequence: missense variant.
Genome position (GRCh38, 1-based): chr17:8,015,989, C>A. VCF-style: chr17-8015989-C-A. GRCh37 (hg19) VCF-style: chr17-7919307-C-A.
Other names: short protein forms Q1036K.
Identifiers: ClinVar variation 1039175 (VCV001039175.8), dbSNP rs61750192, ClinGen allele CA397955754.
Genomic context (GRCh38, chr17:8,015,989, plus strand): 5'-TACCGCATCCACGTGAACTTGAGCACTGTGGGGATTCTCCGTGCTCTGGACTCGGGCTAC[C>A]AGGTGGAGCTGCGAGGCCGCACGGAGCTGAAGGTGAGGCAGGGCCCCAACCCCTCCCGGA-3'
Protein context (NP_000171.1, residues 1026-1046): GILRALDSGY[Gln1036Lys]VELRGRTELK